The following is an entry in ClinVar:

ClinVar aggregate classification (germline): Uncertain significance. Review status: criteria provided, multiple submitters, no conflicts (2 of 4 stars). 2 submissions from 2 submitters: Uncertain significance (2). Last evaluated 2025-09-29.

Conditions:
Charcot-Marie-Tooth disease dominant intermediate B (CMTDIB). Also called: CHARCOT-MARIE-TOOTH NEUROPATHY, DOMINANT INTERMEDIATE B; Charcot-Marie-Tooth disease dominant intermediate 1; CMT DI1; Charcot-Marie-Tooth disease dominant intermediate I. Identifiers: Orphanet 100044, Orphanet 228179, MedGen C1847902, MONDO:0011674, OMIM 606482.
DNM2-related disorder. Also called: DNM2-related condition.

gnomAD v4.1: 7 of 1,614,146 alleles (0.00043%); highest among the groups gnomAD compares: Non-Finnish European, 0.00059%; no homozygotes.

Submissions (2):

Labcorp Genetics (formerly Invitae), Labcorp
Classification: Uncertain significance for Charcot-Marie-Tooth disease dominant intermediate B. Last evaluated: 2025-09-29. Review status: criteria provided, single submitter. Criteria: Invitae Variant Classification Sherloc (09022015). Collection method: clinical testing. Allele origin: germline.
Comment: This sequence change replaces alanine, which is neutral and non-polar, with threonine, which is neutral and polar, at codon 587 of the DNM2 protein (p.Ala587Thr). This variant is not present in population databases (gnomAD no frequency). This variant has not been reported in the literature in individuals affected with DNM2-related conditions. Invitae Evidence Modeling of protein sequence and biophysical properties (such as structural, functional, and spatial information, amino acid conservation, physicochemical variation, residue mobility, and thermodynamic stability) has been performed for this missense variant. However, the output from this modeling did not meet the statistical confidence thresholds required to predict the impact of this variant on DNM2 protein function. In summary, the available evidence is currently insufficient to determine the role of this variant in disease. Therefore, it has been classified as a Variant of Uncertain Significance.

PreventionGenetics, part of Exact Sciences
Classification: Uncertain significance for DNM2-related condition. Last evaluated: 2025-03-17. Review status: criteria provided, single submitter. Criteria: ACMG Guidelines, 2015. Collection method: clinical testing. Allele origin: germline.
Comment: The DNM2 c.1759G>A variant is predicted to result in the amino acid substitution p.Ala587Thr. To our knowledge, this variant has not been reported in the literature or in a large population database (gnomAD), indicating this variant is rare. At this time, the clinical significance of this variant is uncertain due to the absence of conclusive functional and genetic evidence.

NM_001005361.3(DNM2):c.1759G>A (p.Ala587Thr)

Gene: DNM2 (dynamin 2; plus strand). Cytogenetic location: 19p13.2.
Variant type: single nucleotide variant.
Coding change: c.1759G>A on transcript NM_001005361.3 (MANE Select); coding-DNA position 1759, G replaced by A.
Protein change: p.Ala587Thr; replaces alanine 587 with threonine.
Molecular consequence: missense variant.
Genome position (GRCh38, 1-based): chr19:10,820,067, G>A. VCF-style: chr19-10820067-G-A. GRCh37 (hg19) VCF-style: chr19-10930743-G-A.
Other names: c.1759G>A, p.Ala587Thr (NM_001005360.3, NM_001190716.2); c.1747G>A, p.Ala583Thr (NM_001005362.3, NM_004945.4); short protein forms A587T, A583T.
Identifiers: ClinVar variation 4714511 (VCV004714511.2).